The following is an entry in ClinVar:

ClinVar aggregate classification (germline): Likely benign. Review status: criteria provided, single submitter (1 of 4 stars). 3 submissions from 3 submitters: Likely benign (1). 2 of the submissions do not count toward it. Last evaluated 2024-05-28.

Submissions (3):

Mayo Clinic Laboratories, Mayo Clinic
Classification: Likely benign. Last evaluated: 2024-05-28. Review status: criteria provided, single submitter. Criteria: ACMG Guidelines, 2015. Collection method: clinical testing. Allele origin: germline. Observed: 63 variant alleles.
Comment: BS1, BP4, BP7

Clinical Genetics, Academic Medical Center
Classification: Benign. Review status: no assertion criteria provided. Collection method: clinical testing. Allele origin: germline. Affected: yes. Study: VKGL Data-share Consensus. Not counted in ClinVar's aggregate classification.

Genome Diagnostics Laboratory, University Medical Center Utrecht
Classification: Benign. Review status: no assertion criteria provided. Collection method: clinical testing. Allele origin: germline. Affected: yes. Study: VKGL Data-share Consensus. Not counted in ClinVar's aggregate classification.

NM_018979.4(WNK1):c.2373+21del

Gene: WNK1 (WNK lysine deficient protein kinase 1; plus strand). Cytogenetic location: 12p13.33.
Variant type: Deletion.
Coding change: c.2373+21del on transcript NM_018979.4 (MANE Select); 21 bases into the intron after coding-DNA position 2373, one base deleted (T; older notation c.2373+21delT).
Molecular consequence: intron variant.
Genome position (GRCh38, 1-based): chr12:878,382, T deleted; the last of 15 consecutive T bases (chr12:878,368-878,382); deleting any one gives the same sequence. VCF-style (leftmost placement, unchanged base first): chr12-878367-CT-C. GRCh37 (hg19) VCF-style: chr12-987533-CT-C.
Other names: p.?; c.3867+21del (NM_213655.5); c.3612+21del (NM_001184985.2); c.2370+21del (NM_014823.3).
Identifiers: ClinVar variation 1284640 (VCV001284640.3), dbSNP rs5795952, ClinGen allele CA6382450.